The following is an entry in ClinVar:

ClinVar aggregate classification (germline): Uncertain significance (1 of 4 stars; one submission).

Submission:

Dasa
Classification: Uncertain significance. Last evaluated: 2026-05-21. Review status: criteria provided, single submitter. Criteria: DASA Assertion Criteria. Collection method: clinical testing. Allele origin: germline.
Comment: NM_005121.3(MED13):c.4276C>A (p.Leu1426Ile) is a missense variant that results in the substitution of leucine with isoleucine. This variant is rare in population databases. The currently available literature and clinical evidence are not sufficient to establish a definitive association between this variant and the reported condition. Therefore, this variant is classified as a variant of uncertain significance.

NM_005121.3(MED13):c.4276C>A (p.Leu1426Ile)

Gene: MED13 (mediator complex subunit 13; minus strand). Cytogenetic location: 17q23.2.
Variant type: single nucleotide variant.
Coding change: c.4276C>A on transcript NM_005121.3 (MANE Select); coding-DNA position 4276, C replaced by A.
Protein change: p.Leu1426Ile; replaces leucine 1426 with isoleucine.
Molecular consequence: missense variant.
Genome position (GRCh38, 1-based): chr17:61,966,567, G>T on the plus strand (C>A on the coding strand, the complement: MED13 is on the minus strand). VCF-style: chr17-61966567-G-T. GRCh37 (hg19) VCF-style: chr17-60043928-G-T.
Other names: short protein forms L1426I.
Identifiers: ClinVar variation 5020508 (VCV005020508.1).